The following is an entry in ClinVar:

ClinVar aggregate classification (germline): Benign/Likely benign. Review status: criteria provided, multiple submitters, no conflicts (2 of 4 stars). 17 submissions from 17 submitters: Benign (10); Likely benign (1). 6 of the submissions do not count toward it. Last evaluated 2026-02-02.

Conditions:
Cardiovascular phenotype. Identifiers: MedGen CN230736.
Cardiomyopathy (CMYO). Also called: Cardiomyopathies. Identifiers: Orphanet 167848, MedGen C0878544, MONDO:0004994, HP:0001638. Inheritance: Various modes of inheritance.
Myofibrillar myopathy 4. Also called: Zaspopathy (type). Identifiers: Orphanet 98912, MedGen C4721886, MONDO:0012277, OMIM 609452.

Allele frequency attached by ClinVar (database versions not stated): gnomAD exomes 0.00253; ExAC 0.00314; gnomAD 0.00899 and 0.00960; ESP Exome Variant Server 0.01023; TOPMed 0.01047; 1000 Genomes Project 0.01118; 1000 Genomes Project 30x 0.01187.
gnomAD v4.1: 2,899 of 1,614,162 alleles (0.18%); highest among the groups gnomAD compares: African/African-American, 2.8%; 27 homozygotes.

Submissions (17):

Labcorp Genetics (formerly Invitae), Labcorp
Classification: Benign for Myofibrillar myopathy 4. Last evaluated: 2026-02-02. Review status: criteria provided, single submitter. Criteria: Invitae Variant Classification Sherloc (09022015). Collection method: clinical testing. Allele origin: germline.

ARUP Laboratories, Molecular Genetics and Genomics, ARUP Laboratories
Classification: Benign. Last evaluated: 2025-07-10. Review status: criteria provided, single submitter. Criteria: ARUP Molecular Germline Variant Investigation Process 2024. Collection method: clinical testing. Allele origin: germline.

Athena Diagnostics
Classification: Benign. Last evaluated: 2025-05-09. Review status: criteria provided, single submitter. Criteria: Athena Diagnostics Criteria. Collection method: clinical testing. Allele origin: unknown.
Comment: The frequency of this variant in the general population is higher than would generally be expected for pathogenic variants in this gene.

CeGaT Center for Human Genetics Tuebingen
Classification: Benign. Last evaluated: 2025-05-01. Review status: criteria provided, single submitter. Criteria: CeGaT Center For Human Genetics Tuebingen Variant Classification Criteria Version 2. Collection method: clinical testing. Allele origin: germline. Affected: yes. Observed: 3 variant alleles.
Comment: LDB3: BS1, BS2

Mayo Clinic Laboratories, Mayo Clinic
Classification: Benign. Last evaluated: 2020-04-13. Review status: criteria provided, single submitter. Criteria: ACMG Guidelines, 2015. Collection method: clinical testing. Allele origin: germline. Observed: 18 variant alleles.

Ambry Genetics
Classification: Benign for Cardiovascular phenotype. Last evaluated: 2016-03-15. Review status: criteria provided, single submitter. Criteria: Ambry Variant Classification Scheme 2023. Collection method: clinical testing. Allele origin: germline.

GeneDx
Classification: Benign. Last evaluated: 2015-03-03. Review status: criteria provided, single submitter. Criteria: GeneDx Variant Classification Process June 2021. Collection method: clinical testing. Allele origin: germline. Affected: yes.
Comment: This variant is associated with the following publications: (PMID: 25163546)

Biesecker Lab/Clinical Genomics Section, National Institutes of Health
Classification: Benign. Last evaluated: 2013-06-24. Review status: criteria provided, single submitter. Criteria: Ng et al. (Circ Cardiovasc Genet. 2013). Collection method: research. Allele origin: unknown. Observed: 3 variant alleles. Study: ClinSeq.
Comment: The study set was not selected for affection status in relation to any cancer. Pathogenicity categories were based on literature curation. See Pubmed ID:23861362 for details.

Medical sequencing

Laboratory for Molecular Medicine, Mass General Brigham Personalized Medicine
Classification: Benign. Last evaluated: 2009-01-19. Review status: criteria provided, single submitter. Criteria: LMM Criteria. Collection method: clinical testing. Allele origin: germline. Observed: 24 variant alleles.

Breakthrough Genomics
Classification: Likely benign. Review status: criteria provided, single submitter. Criteria: ACMG Guidelines, 2015. Collection method: not provided. Allele origin: germline. Inheritance: Autosomal dominant inheritance. Affected: yes.

PreventionGenetics, part of Exact Sciences
Classification: Benign. Review status: criteria provided, single submitter. Criteria: ACMG Guidelines, 2015. Collection method: clinical testing. Allele origin: germline.

Women's Health and Genetics/Laboratory Corporation of America, LabCorp
Classification: Benign for Cardiomyopathy. Last evaluated: 2013-02-18. Review status: no assertion criteria provided. Collection method: clinical testing. Allele origin: germline. Not counted in ClinVar's aggregate classification.

Clinical Genetics DNA and cytogenetics Diagnostics Lab, Erasmus MC, Erasmus Medical Center
Classification: Benign. Review status: no assertion criteria provided. Collection method: clinical testing. Allele origin: germline. Affected: yes. Study: VKGL Data-share Consensus. Not counted in ClinVar's aggregate classification.

Clinical Genetics, Academic Medical Center
Classification: Benign. Review status: no assertion criteria provided. Collection method: clinical testing. Allele origin: germline. Affected: yes. Study: VKGL Data-share Consensus. Not counted in ClinVar's aggregate classification.

Diagnostic Laboratory, Department of Genetics, University Medical Center Groningen
Classification: Likely benign. Review status: no assertion criteria provided. Collection method: clinical testing. Allele origin: germline. Affected: yes. Study: VKGL Data-share Consensus. Not counted in ClinVar's aggregate classification.

Joint Genome Diagnostic Labs from Nijmegen and Maastricht, Radboudumc and MUMC+
Classification: Benign. Review status: no assertion criteria provided. Collection method: clinical testing. Allele origin: germline. Affected: yes. Study: VKGL Data-share Consensus. Not counted in ClinVar's aggregate classification.

Laboratory of Diagnostic Genome Analysis, Leiden University Medical Center (LUMC)
Classification: Likely benign. Review status: no assertion criteria provided. Collection method: clinical testing. Allele origin: germline. Affected: yes. Study: VKGL Data-share Consensus. Not counted in ClinVar's aggregate classification.

Literature cited by the submitters: PubMed 23861362 (cited by Athena Diagnostics); PubMed 30937429 (cited by Athena Diagnostics).

NM_007078.3(LDB3):c.302C>T (p.Pro101Leu)

Gene: LDB3 (LIM domain binding 3; plus strand). Cytogenetic location: 10q23.2.
Variant type: single nucleotide variant.
Coding change: c.302C>T on transcript NM_007078.3 (MANE Select); coding-DNA position 302, C replaced by T.
Protein change: p.Pro101Leu; replaces proline 101 with leucine.
Molecular consequence: missense variant.
Genome position (GRCh38, 1-based): chr10:86,680,138, C>T. VCF-style: chr10-86680138-C-T. GRCh37 (hg19) VCF-style: chr10-88439895-C-T.
Other names: c.302C>T, p.Pro101Leu (NM_001080116.1, NM_001080114.2, NM_001080115.2 and 8 more transcripts); short protein forms P101L.
Identifiers: ClinVar variation 36447 (VCV000036447.71), dbSNP rs45592139, ClinGen allele CA136596.
Genomic context (GRCh38, chr10:86,680,138, plus strand): 5'-ACAGATCAAAGCGTCCCATTCCCATCTCCACGACAGCACCTCCAGTCCAGACCCCTCTGC[C>T]GGTGATCCCTCACCAGAAGGTAGGTGCTGACTGTGGCGGCGGGGTCCACTCAGCCCTGGT-3'
Protein context (NP_009009.1, residues 91-111): TTAPPVQTPL[Pro101Leu]VIPHQKDPAL